The following is an entry in ClinVar:

ClinVar aggregate classification (germline): Uncertain significance (1 of 4 stars; one submission).

gnomAD v4.1: 4 of 1,206,927 alleles (0.00033%); highest among the groups gnomAD compares: Non-Finnish European, 0.00045%; no homozygotes.

Submission:

Labcorp Genetics (formerly Invitae), Labcorp
Classification: Uncertain significance. Last evaluated: 2025-03-31. Review status: criteria provided, single submitter. Criteria: Invitae Variant Classification Sherloc (09022015). Collection method: clinical testing. Allele origin: germline.
Comment: This sequence change affects codon 54 of the POU3F4 mRNA. It is a 'silent' change, meaning that it does not change the encoded amino acid sequence of the POU3F4 protein. The frequency data for this variant in the population databases is considered unreliable, as metrics indicate poor data quality at this position in the gnomAD database. This variant has not been reported in the literature in individuals affected with POU3F4-related conditions. In summary, the available evidence is currently insufficient to determine the role of this variant in disease. Therefore, it has been classified as a Variant of Uncertain Significance.

NM_000307.5(POU3F4):c.162G>A (p.Gly54=)

Gene: POU3F4 (POU class 3 homeobox 4; plus strand). Cytogenetic location: Xq21.1.
Variant type: single nucleotide variant.
Coding change: c.162G>A on transcript NM_000307.5 (MANE Select); coding-DNA position 162, G replaced by A.
Protein change: p.Gly54=; no amino-acid change (glycine 54 retained).
Molecular consequence: synonymous variant.
Genome position (GRCh38, 1-based): chrX:83,508,486, G>A. VCF-style: chrX-83508486-G-A. GRCh37 (hg19) VCF-style: chrX-82763494-G-A.
Identifiers: ClinVar variation 4765904 (VCV004765904.1).